The following is an entry in ClinVar:

NM_001035.3(RYR2):c.607G>A (p.Val203Met)

Gene: RYR2 (ryanodine receptor 2; plus strand). Cytogenetic location: 1q43.
Variant type: single nucleotide variant.
Coding change: c.607G>A on transcript NM_001035.3 (MANE Select); coding-DNA position 607, G replaced by A.
Protein change: p.Val203Met; replaces valine 203 with methionine.
Molecular consequence: missense variant.
Genome position (GRCh38, 1-based): chr1:237,387,311, G>A. VCF-style: chr1-237387311-G-A. GRCh37 (hg19) VCF-style: chr1-237550611-G-A.
Other names: short protein forms V203M.
Identifiers: ClinVar variation 1446362 (VCV001446362.8), dbSNP rs1158346329, ClinGen allele CA345377243.
Genomic context (GRCh38, chr1:237,387,311, plus strand): 5'-AGTGATGCCTCCTTTTGCCTCTTGATACAGCACTTGTCTTATGGCAACGGCAGCTTACAC[G>A]TGGATGCCGCTTTCCAGCAGACTCTCTGGAGCGTGGCCCCAATCAGCTCAGGAAGTGAGG-3'
Protein context (NP_001026.2, residues 193-213): HLSYGNGSLH[Val203Met]DAAFQQTLWS

ClinVar aggregate classification (germline): Uncertain significance. Review status: criteria provided, multiple submitters, no conflicts (2 of 4 stars). 2 submissions from 2 submitters: Uncertain significance (2). Last evaluated 2025-12-17.

Conditions:
Catecholaminergic polymorphic ventricular tachycardia (CVPT). Also called: Catecholamine-induced polymorphic ventricular tachycardia. Identifiers: Orphanet 3286, MedGen C5574922, MONDO:0017990.
Catecholaminergic polymorphic ventricular tachycardia 1. Also called: VENTRICULAR TACHYCARDIA, STRESS-INDUCED POLYMORPHIC 1; VENTRICULAR TACHYCARDIA, CATECHOLAMINERGIC POLYMORPHIC, 1, WITH OR WITHOUT ATRIAL DYSFUNCTION AND/OR DILATED CARDIOMYOPATHY; RYR2-Related Catecholaminergic Polymorphic Ventricular Tachycardia. Identifiers: Orphanet 3286, MedGen C1631597, MONDO:0011484, OMIM 604772.

Allele frequency attached by ClinVar (database versions not stated): gnomAD exomes below 0.00001.
gnomAD v4.1: 5 of 1,613,972 alleles (0.00031%); highest among the groups gnomAD compares: Non-Finnish European, 0.00042%; no homozygotes.

Submissions (2):

Labcorp Genetics (formerly Invitae), Labcorp
Classification: Uncertain significance for Catecholaminergic polymorphic ventricular tachycardia 1. Last evaluated: 2025-12-17. Review status: criteria provided, single submitter. Criteria: Invitae Variant Classification Sherloc (09022015). Collection method: clinical testing. Allele origin: germline.
Comment: This sequence change replaces valine, which is neutral and non-polar, with methionine, which is neutral and non-polar, at codon 203 of the RYR2 protein (p.Val203Met). This variant is present in population databases (no rsID available, gnomAD 0.0009%). This variant has not been reported in the literature in individuals affected with RYR2-related conditions. ClinVar contains an entry for this variant (Variation ID: 1446362). Invitae Evidence Modeling of protein sequence and biophysical properties (such as structural, functional, and spatial information, amino acid conservation, physicochemical variation, residue mobility, and thermodynamic stability) indicates that this missense variant is expected to disrupt RYR2 protein function with a positive predictive value of 95%. In summary, the available evidence is currently insufficient to determine the role of this variant in disease. Therefore, it has been classified as a Variant of Uncertain Significance.

All of Us Research Program, National Institutes of Health
Classification: Uncertain significance for Catecholaminergic polymorphic ventricular tachycardia. Last evaluated: 2023-08-15. Review status: criteria provided, single submitter. Criteria: ACMG Guidelines, 2015. Collection method: clinical testing. Allele origin: germline. Inheritance: Autosomal dominant inheritance. Observed: 1 variant allele, 1 heterozygote.
Comment: This missense variant replaces valine with methionine at codon 203 of the RYR2 protein. Computational prediction suggests that this variant may have deleterious impact on protein structure and function (internally defined REVEL score threshold >= 0.7, PMID: 27666373). To our knowledge, functional studies have not been reported for this variant. This variant has not been reported in individuals affected with RYR2-related disorders in the literature. This variant has been identified in 1/249198 chromosomes in the general population by the Genome Aggregation Database (gnomAD). The available evidence is insufficient to determine the role of this variant in disease conclusively. Therefore, this variant is classified as a Variant of Uncertain Significance.

This study involves interpretation of variants in research participants for the purpose of population health screening. Participant phenotype was not available at the time of variant classification. Additional details can be found in publication PMID: 35346344, PMCID: PMC8962531